The following is an entry in ClinVar:

NM_001330078.2(NRXN1):c.2372C>T (p.Ser791Phe)

Gene: NRXN1 (neurexin 1; minus strand). Cytogenetic location: 2p16.3.
Variant type: single nucleotide variant.
Coding change: c.2372C>T on transcript NM_001330078.2 (MANE Select); coding-DNA position 2372, C replaced by T.
Protein change: p.Ser791Phe; replaces serine 791 with phenylalanine.
Molecular consequence: missense variant. On other transcripts: intron variant (7).
Genome position (GRCh38, 1-based): chr2:50,528,627, G>A on the plus strand (C>T on the coding strand, the complement: NRXN1 is on the minus strand). VCF-style: chr2-50528627-G-A. GRCh37 (hg19) VCF-style: chr2-50755765-G-A.
Other names: c.2492C>T, p.Ser831Phe (NM_001135659.3); c.2348C>T, p.Ser783Phe (NM_001330077.2, NM_001330082.2); c.2372C>T, p.Ser791Phe (NM_001330086.2, NM_004801.6); c.2369C>T, p.Ser790Phe (NM_001330093.2); c.2360C>T, p.Ser787Phe (NM_001330094.2); c.2263+2600C>T (NM_001330096.2, NM_001330087.2); c.2308+2600C>T (NM_001330083.2, NM_001330084.2); c.2293+2600C>T (NM_001330088.2); and 2 more; short protein forms S783F, S790F, S791F, S831F, S787F.
Identifiers: ClinVar variation 2801174 (VCV002801174.3), dbSNP rs2465547669, ClinGen allele CA346769331.
Genomic context (GRCh38, chr2:50,528,627, plus strand): 5'-GACTAGCTTACATCATAATGGAGGAATAACATTTTAAAAATTTTGAATAGGCACTTACTG[G>A]AATTACAGTTAATCCTGATACAATCTAGATGGGGAAGAATAGATGAAAAATGAAAATTCA-3'
Protein context (NP_001317007.1, residues 781-801): NLDCIRINCN[Ser791Phe]SKGPETLFAG

ClinVar aggregate classification (germline): Uncertain significance (1 of 4 stars; one submission).

Conditions:
Pitt-Hopkins-like syndrome 2 (PTHSL2). Identifiers: Orphanet 221150, Orphanet 600663, MedGen C3280479, MONDO:0013690, OMIM 614325.

Allele frequency attached by ClinVar (database versions not stated): gnomAD exomes below 0.00001.
gnomAD v4.1: 1 of 1,534,870 alleles (0.000065%); highest among the groups gnomAD compares: Non-Finnish European, 0.00009%; no homozygotes.

Submission:

Labcorp Genetics (formerly Invitae), Labcorp
Classification: Uncertain significance for Pitt-Hopkins-like syndrome 2. Last evaluated: 2023-04-01. Review status: criteria provided, single submitter. Criteria: Invitae Variant Classification Sherloc (09022015). Collection method: clinical testing. Allele origin: germline.
Comment: This sequence change replaces serine, which is neutral and polar, with phenylalanine, which is neutral and non-polar, at codon 831 of the NRXN1 protein (p.Ser831Phe). In summary, the available evidence is currently insufficient to determine the role of this variant in disease. Therefore, it has been classified as a Variant of Uncertain Significance. Algorithms developed to predict the effect of sequence changes on RNA splicing suggest that this variant may disrupt the consensus splice site. An algorithm developed to predict the effect of missense changes on protein structure and function (PolyPhen-2) suggests that this variant is likely to be disruptive. This variant has not been reported in the literature in individuals affected with NRXN1-related conditions. This variant is not present in population databases (gnomAD no frequency).